The following is an entry in ClinVar:

ClinVar aggregate classification (germline): Pathogenic (1 of 4 stars; one submission).

Conditions:
Hereditary diffuse gastric adenocarcinoma (HDGC). Also called: DIFFUSE GASTRIC AND LOBULAR BREAST CANCER SYNDROME. Identifiers: Orphanet 26106, MedGen C1708349, MONDO:0007648, OMIM 137215.

Submission:

Myriad Genetics, Inc.
Classification: Pathogenic for Hereditary diffuse gastric adenocarcinoma. Last evaluated: 2023-06-08. Review status: criteria provided, single submitter. Criteria: Myriad Autosomal Dominant, Autosomal Recessive and X-Linked Classification Criteria (2023). Collection method: clinical testing. Allele origin: unknown.
Comment: This variant is considered pathogenic. This variant creates a frameshift predicted to result in premature protein truncation.

NM_004360.5(CDH1):c.228dup (p.Val77fs)

Gene: CDH1 (cadherin 1; plus strand). Cytogenetic location: 16q22.1.
Variant type: Duplication.
Coding change: c.228dup on transcript NM_004360.5 (MANE Select); coding-DNA position 228, one base duplicated (A; older notation c.228dupA).
Protein change: p.Val77fs; shifts the reading frame from valine 77.
Molecular consequence: frameshift variant. On other transcripts: 5 prime UTR variant (2).
Genome position (GRCh38, 1-based): chr16:68,801,734, A duplicated; the last of 3 consecutive A bases (chr16:68,801,732-68,801,734); duplicating any one gives the same sequence. VCF-style (leftmost placement, unchanged base first): chr16-68801731-C-CA. GRCh37 (hg19) VCF-style: chr16-68835634-C-CA.
Other names: c.228dup, p.Val77fs (NM_001317184.2); c.-1388dup (NM_001317185.2); c.-1592dup (NM_001317186.2); short protein forms V77fs.
Identifiers: ClinVar variation 2583798 (VCV002583798.2), dbSNP rs2543904876, ClinGen allele CA645596589.